The following is an entry in ClinVar:

ClinVar aggregate classification (germline): not provided (0 of 4 stars; one submission).

Conditions:
Uterine leiomyoma (UL). Also called: Uterine corpus leiomyoma. Identifiers: MedGen C0042133, MONDO:0007886, OMIM 150699, HP:0000131.

Submission:

Rajkovic Lab, University of Pittsburgh
No classification provided. Condition: Leiomyoma, uterine. Review status: no classification provided. Collection method: not provided. Allele origin: somatic.
ClinVar note: Converted during submission from Associated with leiomyomas to not provided.

NM_005120.3(MED12):c.133_144del (p.Phe45_Gln48del)

Gene: MED12 (mediator complex subunit 12; plus strand). Cytogenetic location: Xq13.1.
Variant type: Deletion.
Coding change: c.133_144del on transcript NM_005120.3 (MANE Select); coding-DNA positions 133 to 144, 12 bases deleted (TTCAATAACCAG).
Protein change: p.Phe45_Gln48del.
Molecular consequence: inframe deletion.
Genome position (GRCh38, 1-based): chrX:71,119,406-71,119,417, TTCAATAACCAG deleted. VCF-style (leftmost placement, unchanged base first): chrX-71119405-TTTCAATAACCAG-T. GRCh37 (hg19) VCF-style: chrX-70339255-TTTCAATAACCAG-T.
Identifiers: ClinVar variation 92223 (VCV000092223.2), dbSNP rs199469693, ClinGen allele CA145575.
Genomic context (GRCh38, chrX:71,119,405, plus strand): 5'-ACAACTAAACGCCGCTTTCCTGCCTCAGGATGAACTGACGGCCTTGAATGTAAAACAAGG[TTTCAATAACCAG>T]CCTGCTGTCTCTGGGGATGAGCATGGCAGTGCCAAGAACGTCAGCTTCAATCCTGCCAAG-3'